The following is an entry in ClinVar:

NM_170784.3(MKKS):c.873_876dup (p.Cys293fs)

Gene: MKKS (MKKS centrosomal shuttling protein; minus strand). Cytogenetic location: 20p12.2.
Variant type: Duplication.
Coding change: c.873_876dup on transcript NM_170784.3 (MANE Select); coding-DNA positions 873 to 876, 4 bases duplicated (CCTG; older notation c.873_876dupCCTG).
Protein change: p.Cys293fs; shifts the reading frame from cysteine 293.
Molecular consequence: frameshift variant.
Genome position (GRCh38, 1-based): chr20:10,412,639-10,412,642, CAGG duplicated on the plus strand (CCTG on the coding strand, the reverse complement: MKKS is on the minus strand). VCF-style (leftmost placement, unchanged base first): chr20-10412638-A-ACAGG. GRCh37 (hg19) VCF-style: chr20-10393286-A-ACAGG.
Other names: c.876_877insCCTG (NM_170784.2); c.873_876dup, p.Cys293fs (NM_018848.3); c.873_876dupCCTG (NM_018848.3); short protein forms C293fs.
Identifiers: ClinVar variation 21672 (VCV000021672.4), dbSNP rs113994196, ClinGen allele CA342353.

ClinVar aggregate classification (germline): Pathogenic. Review status: no assertion criteria provided (0 of 4 stars). 2 submissions from 2 submitters: Pathogenic (2). Last evaluated 2024-08-21.

Conditions:
MKKS-related disorder. Also called: MKKS-related condition; MKKS-related disorders.
Bardet-Biedl syndrome (BBS). Identifiers: Orphanet 110, MedGen C0752166, MONDO:0015229.

Allele frequency attached by ClinVar (database versions not stated): gnomAD exomes below 0.00001.

Submissions (2):

PreventionGenetics, part of Exact Sciences
Classification: Pathogenic for MKKS-related condition. Last evaluated: 2024-08-21. Review status: no assertion criteria provided. Collection method: clinical testing. Allele origin: germline.
Comment: The MKKS c.873_876dupCCTG variant is predicted to result in a frameshift and premature protein termination (p.Cys293Profs*35). This variant was reported in an individual with Bardet-Biedl syndrome (Slavotinek et al. 2002. PubMed ID: 12107442). This variant has not been reported in a large population database, indicating this variant is rare. Frameshift variants in MKKS are expected to be pathogenic. This variant is interpreted as pathogenic.

GeneReviews
Classification: Pathogenic for Bardet-Biedl Syndrome. Last evaluated: 2009-10-13. Review status: no assertion criteria provided. Collection method: curation. Allele origin: unknown.
ClinVar note: Converted during submission from pathologic to Pathogenic.